The following is an entry in ClinVar:

NM_001040142.2(SCN2A):c.4121T>A (p.Met1374Lys)

Gene: SCN2A (sodium voltage-gated channel alpha subunit 2; plus strand). Cytogenetic location: 2q24.3.
Variant type: single nucleotide variant.
Coding change: c.4121T>A on transcript NM_001040142.2 (MANE Select); coding-DNA position 4121, T replaced by A.
Protein change: p.Met1374Lys; replaces methionine 1374 with lysine.
Molecular consequence: missense variant.
Genome position (GRCh38, 1-based): chr2:165,374,833, T>A. VCF-style: chr2-165374833-T-A. GRCh37 (hg19) VCF-style: chr2-166231343-T-A.
Other names: c.4121T>A, p.Met1374Lys (NM_001040143.2, NM_001371246.1, NM_001371247.1 and 1 more transcripts); short protein forms M1374K.
Identifiers: ClinVar variation 373360 (VCV000373360.11), dbSNP rs555250264, ClinGen allele CA1940224.
Genomic context (GRCh38, chr2:165,374,833, plus strand): 5'-TGGGAGTGAATCTCTTTGCTGGCAAGTTTTACCATTGTATTAATTACACCACTGGAGAGA[T>A]GTTTGATGTAAGCGTGGTCAACAACTACAGTGAGTGCAAAGCTCTCATTGAGAGCAATCA-3'
Protein context (NP_001035232.1, residues 1364-1384): YHCINYTTGE[Met1374Lys]FDVSVVNNYS

ClinVar aggregate classification (germline): Conflicting classifications of pathogenicity. Review status: criteria provided, conflicting classifications (1 of 4 stars). 2 submissions from 2 submitters: Uncertain significance (1); Likely benign (1). Last evaluated 2025-12-21.

Conditions:
Seizures, benign familial infantile, 3 (BFIS3). Also called: CONVULSIONS, BENIGN FAMILIAL INFANTILE, 3; Familial neonatal seizures. Identifiers: Orphanet 140927, Orphanet 306, MedGen C1843140, MONDO:0011904, OMIM 607745.
Developmental and epileptic encephalopathy, 11 (DEE11). Also called: Early infantile epileptic encephalopathy 11. Identifiers: Orphanet 1934, MedGen C3150987, MONDO:0013388, OMIM 613721.

Allele frequency attached by ClinVar (database versions not stated): gnomAD 0.00001; TOPMed 0.00001; 1000 Genomes Project 30x 0.00016; 1000 Genomes Project 0.00020.

Submissions (2):

Labcorp Genetics (formerly Invitae), Labcorp
Classification: Likely benign for Seizures, benign familial infantile, 3; Developmental and epileptic encephalopathy, 11. Last evaluated: 2025-12-21. Review status: criteria provided, single submitter. Criteria: Invitae Variant Classification Sherloc (09022015). Collection method: clinical testing. Allele origin: germline.

GeneDx
Classification: Uncertain significance. Last evaluated: 2016-11-16. Review status: criteria provided, single submitter. Criteria: GeneDx Variant Classification (06012015). Collection method: clinical testing. Allele origin: germline. Affected: yes.
Comment: A variant of uncertain significance has been identified in the SCN2A gene. The M1374K variant has not been published as a pathogenic variant, nor has it been reported as a benign variant to our knowledge. It was not observed in approximately 6,500 individuals of European and African American ancestry in the NHLBI Exome Sequencing Project and and the 1000 Genomes Project reports M1347K was observed in 1/170 (0.56%) of alleles from individuals of Sierre Lione background. The M1374K variant is a non-conservative amino acid substitution, which is likely to impact secondary protein structure as these residues differ in polarity, charge, size and/or other properties. This substitution alters a position conserved in mammals predicted to be within the extracellular loop between the S5 and S6 transmembrane segments of the third homologous domain. In silico analysis is inconsistent in its predictions as to whether or not the variant is damaging to the protein structure/function. Therefore, based on the currently available information, it is unclear whether this variant is a pathogenic variant or a rare benign variant.